The following is an entry in ClinVar:

ClinVar aggregate classification (germline): Likely benign. Review status: criteria provided, multiple submitters, no conflicts (2 of 4 stars). 2 submissions from 2 submitters: Likely benign (2). Last evaluated 2024-01-17.

Conditions:
Autosomal recessive limb-girdle muscular dystrophy type 2J (LGMDR10). Also called: MUSCULAR DYSTROPHY, LIMB-GIRDLE, AUTOSOMAL RECESSIVE 10; Limb-girdle muscular dystrophy, type 2J. Identifiers: Orphanet 140922, MedGen C1837342, MONDO:0012127, OMIM 608807.
Dilated cardiomyopathy 1G (CMD1G). Identifiers: Orphanet 154, MedGen C1858763, MONDO:0011400, OMIM 604145.

Allele frequency attached by ClinVar (database versions not stated): gnomAD exomes below 0.00001.
gnomAD v4.1: 1 of 1,601,686 alleles (0.000062%); highest among the groups gnomAD compares: Non-Finnish European, 0.000085%; no homozygotes.

Submissions (2):

Labcorp Genetics (formerly Invitae), Labcorp
Classification: Likely benign for Dilated cardiomyopathy 1G; Autosomal recessive limb-girdle muscular dystrophy type 2J. Last evaluated: 2024-01-17. Review status: criteria provided, single submitter. Criteria: Invitae Variant Classification Sherloc (09022015). Collection method: clinical testing. Allele origin: germline.

GeneDx
Classification: Likely benign. Last evaluated: 2017-10-31. Review status: criteria provided, single submitter. Criteria: GeneDx Variant Classification (06012015). Collection method: clinical testing. Allele origin: germline. Affected: yes.
Comment: This variant is considered likely benign or benign based on one or more of the following criteria: it is a conservative change, it occurs at a poorly conserved position in the protein, it is predicted to be benign by multiple in silico algorithms, and/or has population frequency not consistent with disease.

NM_001267550.2(TTN):c.52405+19C>G

Genes: TTN (titin; minus strand), TTN-AS1 (TTN antisense RNA 1; plus strand). Cytogenetic location: 2q31.2.
Variant type: single nucleotide variant.
Coding change: c.52405+19C>G on transcript NM_001267550.2 (MANE Select); 19 bases into the intron after coding-DNA position 52405, C replaced by G.
Molecular consequence: intron variant.
Genome position (GRCh38, 1-based): chr2:178,608,587, G>C on the plus strand (C>G on the coding strand, the complement: TTN is on the minus strand). VCF-style: chr2-178608587-G-C. GRCh37 (hg19) VCF-style: chr2-179473314-G-C.
Other names: c.25210+19C>G (NM_003319.4); c.25786+19C>G (NM_133437.4); c.25585+19C>G (NM_133432.3); c.44701+19C>G (NM_133378.4); c.47482+19C>G (NM_001256850.1).
Identifiers: ClinVar variation 513138 (VCV000513138.4), dbSNP rs1553689081, ClinGen allele CA658795988.